The following is an entry in ClinVar:

NM_000321.3(RB1):c.-1C>T

Gene: RB1 (RB transcriptional corepressor 1; plus strand). Cytogenetic location: 13q14.2.
Variant type: single nucleotide variant.
Coding change: c.-1C>T on transcript NM_000321.3 (MANE Select); 1 bases upstream of the start codon, C replaced by T.
Molecular consequence: 5 prime UTR variant.
Genome position (GRCh38, 1-based): chr13:48,303,912, C>T. VCF-style: chr13-48303912-C-T. GRCh37 (hg19) VCF-style: chr13-48878048-C-T.
Other names: c.-1C>T (NM_001407165.1, NM_001407166.1, NM_001407167.1).
Identifiers: ClinVar variation 820486 (VCV000820486.11), dbSNP rs754354560, ClinGen allele CA033706.

ClinVar aggregate classification (germline): Conflicting classifications of pathogenicity. Review status: criteria provided, conflicting classifications (1 of 4 stars). 4 submissions from 4 submitters: Uncertain significance (2); Benign (1); Likely benign (1). Last evaluated 2025-07-15.

Conditions:
Hereditary cancer-predisposing syndrome. Also called: Neoplastic Syndromes, Hereditary; Tumor predisposition; Hereditary Cancer Syndrome; Hereditary neoplastic syndrome. Identifiers: Orphanet 140162, MedGen C0027672, MeSH D009386, MONDO:0015356.
Retinoblastoma (RB1). Also called: RETINOBLASTOMA, SOMATIC. Identifiers: Orphanet 790, MedGen C0035335, MeSH D012175, MONDO:0008380, OMIM 180200, HP:0009919. Disease mechanism: loss of function. Inheritance: Both sporadic and heritable forms are tested..

Allele frequency attached by ClinVar (database versions not stated): gnomAD exomes 0.00001 and 0.00002; ExAC 0.00019.
gnomAD v4.1: 11 of 1,515,678 alleles (0.00073%); highest among the groups gnomAD compares: South Asian, 0.0085%; no homozygotes.

Submissions (4):

Labcorp Genetics (formerly Invitae), Labcorp
Classification: Uncertain significance for Retinoblastoma. Last evaluated: 2025-07-15. Review status: criteria provided, single submitter. Criteria: Invitae Variant Classification Sherloc (09022015). Collection method: clinical testing. Allele origin: germline.
Comment: This variant occurs in a non-coding region of the RB1 gene. It does not change the encoded amino acid sequence of the RB1 protein. The frequency data for this variant in the population databases is considered unreliable, as metrics indicate poor data quality at this position in the gnomAD database. This variant has not been reported in the literature in individuals affected with RB1-related conditions. ClinVar contains an entry for this variant (Variation ID: 820486). In summary, the available evidence is currently insufficient to determine the role of this variant in disease. Therefore, it has been classified as a Variant of Uncertain Significance.

Color Diagnostics, LLC DBA Color Health
Classification: Benign for Retinoblastoma. Last evaluated: 2025-06-13. Review status: criteria provided, single submitter. Criteria: ACMG Guidelines, 2015. Collection method: clinical testing. Allele origin: germline.

Ambry Genetics
Classification: Likely benign for Hereditary cancer-predisposing syndrome. Last evaluated: 2024-12-17. Review status: criteria provided, single submitter. Criteria: Ambry Variant Classification Scheme 2023. Collection method: clinical testing. Allele origin: germline.

All of Us Research Program, National Institutes of Health
Classification: Uncertain significance for Retinoblastoma. Last evaluated: 2023-04-03. Review status: criteria provided, single submitter. Criteria: ACMG Guidelines, 2015. Collection method: clinical testing. Allele origin: germline. Inheritance: Autosomal dominant inheritance. Observed: 2 variant alleles, 2 heterozygotes.
Comment: This variant causes a C to T nucleotide substitution at the -1 position in the 5' untranslated region in the RB1 gene. To our knowledge, functional studies have not been reported for this variant. This variant has not been reported in individuals affected with RB1-related disorders in the literature. This variant has been identified in 2/111128 chromosomes in the general population by the Genome Aggregation Database (gnomAD). The available evidence is insufficient to determine the role of this variant in disease conclusively. Therefore, this variant is classified as a Variant of Uncertain Significance.

This study involves interpretation of variants in research participants for the purpose of population health screening. Participant phenotype was not available at the time of variant classification. Additional details can be found in publication PMID: 35346344, PMCID: PMC8962531